The following is an entry in ClinVar:

ClinVar aggregate classification (germline): Benign/Likely benign. Review status: criteria provided, multiple submitters, no conflicts (2 of 4 stars). 3 submissions from 3 submitters: Benign (2); Likely benign (1). Last evaluated 2025-10-23.

Conditions:
DSCAM-related disorder. Also called: DSCAM-related condition.

Allele frequency attached by ClinVar (database versions not stated): gnomAD exomes 0.00064; ExAC 0.00072; 1000 Genomes Project 30x 0.00203; gnomAD 0.00204 and 0.00218; ESP Exome Variant Server 0.00212; 1000 Genomes Project 0.00220; TOPMed 0.00236.
gnomAD v4.1: 768 of 1,610,600 alleles (0.048%); highest among the groups gnomAD compares: African/African-American, 0.75%; 2 homozygotes.

Submissions (3):

PreventionGenetics, part of Exact Sciences
Classification: Likely benign for DSCAM-related condition. Last evaluated: 2025-10-23. Review status: criteria provided, single submitter. Criteria: ACMG Guidelines, 2015. Collection method: clinical testing. Allele origin: germline.
Comment: This variant is classified as likely benign based on ACMG/AMP sequence variant interpretation guidelines (Richards et al. 2015 PMID: 25741868, with internal and published modifications).

Labcorp Genetics (formerly Invitae), Labcorp
Classification: Benign. Last evaluated: 2019-12-31. Review status: criteria provided, single submitter. Criteria: Invitae Variant Classification Sherloc (09022015). Collection method: clinical testing. Allele origin: germline.

Breakthrough Genomics
Classification: Benign. Review status: criteria provided, single submitter. Criteria: ACMG Guidelines, 2015. Collection method: not provided. Allele origin: germline. Inheritance: Unknown mechanism. Affected: yes.

NM_001389.5(DSCAM):c.210C>T (p.Pro70=)

Gene: DSCAM (DS cell adhesion molecule; minus strand). Cytogenetic location: 21q22.2.
Variant type: single nucleotide variant.
Coding change: c.210C>T on transcript NM_001389.5 (MANE Select); coding-DNA position 210, C replaced by T.
Protein change: p.Pro70=; no amino-acid change (proline 70 retained).
Molecular consequence: synonymous variant. On other transcripts: non-coding transcript variant (1).
Genome position (GRCh38, 1-based): chr21:40,708,605, G>A on the plus strand (C>T on the coding strand, the complement: DSCAM is on the minus strand). VCF-style: chr21-40708605-G-A. GRCh37 (hg19) VCF-style: chr21-42080531-G-A.
Other names: c.210C>T, p.Pro70= (NM_001271534.3).
Identifiers: ClinVar variation 777619 (VCV000777619.6), dbSNP rs147347671, ClinGen allele CA10031806.